The following is an entry in ClinVar:

NM_033026.6(PCLO):c.9824G>A (p.Arg3275Gln)

Gene: PCLO (piccolo presynaptic cytomatrix protein; minus strand). Cytogenetic location: 7q21.11.
Variant type: single nucleotide variant.
Coding change: c.9824G>A on transcript NM_033026.6 (MANE Select); coding-DNA position 9824, G replaced by A.
Protein change: p.Arg3275Gln; replaces arginine 3275 with glutamine.
Molecular consequence: missense variant.
Genome position (GRCh38, 1-based): chr7:82,950,764, C>T on the plus strand (G>A on the coding strand, the complement: PCLO is on the minus strand). VCF-style: chr7-82950764-C-T. GRCh37 (hg19) VCF-style: chr7-82580080-C-T.
Other names: c.9824G>A, p.Arg3275Gln (NM_014510.3); c.9824G>A (NM_033026.5); short protein forms R3275Q.
Identifiers: ClinVar variation 1970275 (VCV001970275.4), dbSNP rs1562876553, ClinGen allele CA367906421.

ClinVar aggregate classification (germline): Uncertain significance. Review status: criteria provided, multiple submitters, no conflicts (2 of 4 stars). 2 submissions from 2 submitters: Uncertain significance (2). Last evaluated 2025-02-07.

Conditions:
Inborn genetic diseases. Identifiers: MedGen C0950123, MeSH D030342.

Allele frequency attached by ClinVar (database versions not stated): gnomAD exomes below 0.00001; TOPMed below 0.00001.
gnomAD v4.1: 4 of 1,613,766 alleles (0.00025%); highest among the groups gnomAD compares: Middle Eastern, 0.016%; no homozygotes.

Submissions (2):

Ambry Genetics
Classification: Uncertain significance for Inborn genetic diseases. Last evaluated: 2025-02-07. Review status: criteria provided, single submitter. Criteria: Ambry Variant Classification Scheme 2023. Collection method: clinical testing. Allele origin: germline.

Labcorp Genetics (formerly Invitae), Labcorp
Classification: Uncertain significance. Last evaluated: 2021-12-25. Review status: criteria provided, single submitter. Criteria: Invitae Variant Classification Sherloc (09022015). Collection method: clinical testing. Allele origin: germline.
Comment: In summary, the available evidence is currently insufficient to determine the role of this variant in disease. Therefore, it has been classified as a Variant of Uncertain Significance. Algorithms developed to predict the effect of missense changes on protein structure and function are either unavailable or do not agree on the potential impact of this missense change (SIFT: "Deleterious"; PolyPhen-2: "Not Available"; Align-GVGD: "Class C0"). This variant has not been reported in the literature in individuals affected with PCLO-related conditions. This variant is not present in population databases (gnomAD no frequency). This sequence change replaces arginine, which is basic and polar, with glutamine, which is neutral and polar, at codon 3275 of the PCLO protein (p.Arg3275Gln).